The following is an entry in ClinVar:

ClinVar aggregate classification (germline): Uncertain significance (1 of 4 stars; one submission).

Submission:

Labcorp Genetics (formerly Invitae), Labcorp
Classification: Uncertain significance. Last evaluated: 2023-08-10. Review status: criteria provided, single submitter. Criteria: Invitae Variant Classification Sherloc (09022015). Collection method: clinical testing. Allele origin: germline.
Comment: This sequence change replaces threonine, which is neutral and polar, with alanine, which is neutral and non-polar, at codon 2367 of the MTOR protein (p.Thr2367Ala). This variant is not present in population databases (gnomAD no frequency). This variant has not been reported in the literature in individuals affected with MTOR-related conditions. ClinVar contains an entry for this variant (Variation ID: 1023590). Advanced modeling of protein sequence and biophysical properties (such as structural, functional, and spatial information, amino acid conservation, physicochemical variation, residue mobility, and thermodynamic stability) performed at Invitae indicates that this missense variant is not expected to disrupt MTOR protein function. In summary, the available evidence is currently insufficient to determine the role of this variant in disease. Therefore, it has been classified as a Variant of Uncertain Significance.

NM_004958.4(MTOR):c.7099A>G (p.Thr2367Ala)

Gene: MTOR (mechanistic target of rapamycin kinase; minus strand). Cytogenetic location: 1p36.22.
Variant type: single nucleotide variant.
Coding change: c.7099A>G on transcript NM_004958.4 (MANE Select); coding-DNA position 7099, A replaced by G.
Protein change: p.Thr2367Ala; replaces threonine 2367 with alanine.
Molecular consequence: missense variant.
Genome position (GRCh38, 1-based): chr1:11,114,878, T>C on the plus strand (A>G on the coding strand, the complement: MTOR is on the minus strand). VCF-style: chr1-11114878-T-C. GRCh37 (hg19) VCF-style: chr1-11174935-T-C.
Other names: short protein forms T2367A.
Identifiers: ClinVar variation 1023590 (VCV001023590.8), dbSNP rs1642080627, ClinGen allele CA338381894.